The following is an entry in ClinVar:

NM_001378452.1(ITPR1):c.6447C>T (p.Asn2149=)

Gene: ITPR1 (inositol 1,4,5-trisphosphate receptor type 1; plus strand). Cytogenetic location: 3p26.1.
Variant type: single nucleotide variant.
Coding change: c.6447C>T on transcript NM_001378452.1 (MANE Select); coding-DNA position 6447, C replaced by T.
Protein change: p.Asn2149=; no amino-acid change (asparagine 2149 retained).
Molecular consequence: synonymous variant.
Genome position (GRCh38, 1-based): chr3:4,782,678, C>T. VCF-style: chr3-4782678-C-T. GRCh37 (hg19) VCF-style: chr3-4824362-C-T.
Other names: c.6303C>T, p.Asn2101= (NM_001099952.4); c.6402C>T, p.Asn2134= (NM_001168272.2); c.6258C>T, p.Asn2086= (NM_002222.7).
Identifiers: ClinVar variation 447596 (VCV000447596.12), dbSNP rs202123078, ClinGen allele CA2232598.

ClinVar aggregate classification (germline): Benign/Likely benign. Review status: criteria provided, multiple submitters, no conflicts (2 of 4 stars). 3 submissions from 3 submitters: Benign (1); Likely benign (1). 1 of the submissions does not count toward it. Last evaluated 2025-10-21.

Conditions:
ITPR1-related disorder. Also called: ITPR1-related condition.

Allele frequency attached by ClinVar (database versions not stated): gnomAD exomes 0.00005 and 0.00009; ExAC 0.00008; 1000 Genomes Project 30x 0.00016; 1000 Genomes Project 0.00020; gnomAD 0.00031 and 0.00034; TOPMed 0.00038; ESP Exome Variant Server 0.00048.
gnomAD v4.1: 126 of 1,603,232 alleles (0.0079%); highest among the groups gnomAD compares: African/African-American, 0.11%; 1 homozygote.

Submissions (3):

Labcorp Genetics (formerly Invitae), Labcorp
Classification: Likely benign. Last evaluated: 2025-10-21. Review status: criteria provided, single submitter. Criteria: Invitae Variant Classification Sherloc (09022015). Collection method: clinical testing. Allele origin: germline.

Athena Diagnostics
Classification: Benign. Last evaluated: 2017-02-16. Review status: criteria provided, single submitter. Criteria: Athena Diagnostics Criteria. Collection method: clinical testing. Allele origin: germline.

PreventionGenetics, part of Exact Sciences
Classification: Likely benign for ITPR1-related condition. Last evaluated: 2019-02-21. Review status: no assertion criteria provided. Collection method: clinical testing. Allele origin: germline. Not counted in ClinVar's aggregate classification.
Comment: This variant is classified as likely benign based on ACMG/AMP sequence variant interpretation guidelines (Richards et al. 2015 PMID: 25741868, with internal and published modifications).